The following is an entry in ClinVar:

ClinVar aggregate classification (germline): Uncertain significance (1 of 4 stars; one submission).

Conditions:
Ornithine aminotransferase deficiency (GACR). Also called: Ornithine ketoacid aminotransferase deficiency; Gyrate atrophy; Gyrate atrophy of choroid and retina; Girate atrophy of the retina; HYPERORNITHINEMIA WITH GYRATE ATROPHY OF CHOROID AND RETINA; OKT DEFICIENCY. Identifiers: Orphanet 414, MedGen C0018425, MONDO:0009796, OMIM 258870.

Submission:

Labcorp Genetics (formerly Invitae), Labcorp
Classification: Uncertain significance for Ornithine aminotransferase deficiency. Last evaluated: 2021-09-10. Review status: criteria provided, single submitter. Criteria: Invitae Variant Classification Sherloc (09022015). Collection method: clinical testing. Allele origin: germline.
Comment: In summary, the available evidence is currently insufficient to determine the role of this variant in disease. Therefore, it has been classified as a Variant of Uncertain Significance. This sequence change replaces asparagine with tyrosine at codon 400 of the OAT protein (p.Asn400Tyr). The asparagine residue is highly conserved and there is a large physicochemical difference between asparagine and tyrosine. This variant is not present in population databases (ExAC no frequency). This variant has not been reported in the literature in individuals affected with OAT-related conditions. Algorithms developed to predict the effect of missense changes on protein structure and function are either unavailable or do not agree on the potential impact of this missense change (SIFT: "Deleterious"; PolyPhen-2: "Probably Damaging"; Align-GVGD: "Class C0").

NM_000274.4(OAT):c.1198A>T (p.Asn400Tyr)

Gene: OAT (ornithine aminotransferase; minus strand). Cytogenetic location: 10q26.13.
Variant type: single nucleotide variant.
Coding change: c.1198A>T on transcript NM_000274.4 (MANE Select); coding-DNA position 1198, A replaced by T.
Protein change: p.Asn400Tyr; replaces asparagine 400 with tyrosine.
Molecular consequence: missense variant.
Genome position (GRCh38, 1-based): chr10:124,398,064, T>A on the plus strand (A>T on the coding strand, the complement: OAT is on the minus strand). VCF-style: chr10-124398064-T-A. GRCh37 (hg19) VCF-style: chr10-126086633-T-A.
Other names: c.784A>T, p.Asn262Tyr (NM_001171814.2); c.1198A>T, p.Asn400Tyr (NM_001322965.2, NM_001322966.2, NM_001322967.2 and 3 more transcripts); c.877A>T, p.Asn293Tyr (NM_001322971.2); c.598A>T, p.Asn200Tyr (NM_001322974.2); short protein forms N200Y, N293Y, N400Y, N262Y.
Identifiers: ClinVar variation 1380528 (VCV001380528.6), dbSNP rs2134440441, ClinGen allele CA378633202.